The following is an entry in ClinVar:

ClinVar aggregate classification (germline): Likely benign. Review status: criteria provided, multiple submitters, no conflicts (2 of 4 stars). 2 submissions from 2 submitters: Likely benign (2). Last evaluated 2024-07-11.

Conditions:
Cornelia de Lange syndrome 4 (CDLS4). Also called: RAD21-Related Cornelia de Lange Syndrome; CORNELIA DE LANGE SYNDROME 4 WITH OR WITHOUT MIDLINE BRAIN DEFECTS. Identifiers: Orphanet 199, MedGen C3553517, MONDO:0013864, OMIM 614701.

Allele frequency attached by ClinVar (database versions not stated): ExAC 0.00001; gnomAD exomes 0.00001; gnomAD 0.00002; TOPMed 0.00003; ESP Exome Variant Server 0.00008.
gnomAD v4.1: 23 of 1,613,720 alleles (0.0014%); highest among the groups gnomAD compares: Non-Finnish European, 0.00017%; no homozygotes.

Submissions (2):

Labcorp Genetics (formerly Invitae), Labcorp
Classification: Likely benign for Cornelia de Lange syndrome 4. Last evaluated: 2024-07-11. Review status: criteria provided, single submitter. Criteria: Invitae Variant Classification Sherloc (09022015). Collection method: clinical testing. Allele origin: germline.

CeGaT Center for Human Genetics Tuebingen
Classification: Likely benign. Last evaluated: 2023-09-01. Review status: criteria provided, single submitter. Criteria: CeGaT Center For Human Genetics Tuebingen Variant Classification Criteria Version 2. Collection method: clinical testing. Allele origin: germline. Affected: yes. Observed: 1 variant allele.
Comment: RAD21: BP4

NM_006265.3(RAD21):c.1071C>T (p.Thr357=)

Gene: RAD21 (RAD21 cohesin complex component; minus strand). Cytogenetic location: 8q24.11.
Variant type: single nucleotide variant.
Coding change: c.1071C>T on transcript NM_006265.3 (MANE Select); coding-DNA position 1071, C replaced by T.
Protein change: p.Thr357=; no amino-acid change (threonine 357 retained).
Molecular consequence: synonymous variant.
Genome position (GRCh38, 1-based): chr8:116,854,335, G>A on the plus strand (C>T on the coding strand, the complement: RAD21 is on the minus strand). VCF-style: chr8-116854335-G-A. GRCh37 (hg19) VCF-style: chr8-117866574-G-A.
Identifiers: ClinVar variation 2658772 (VCV002658772.26), dbSNP rs377195087, ClinGen allele CA4852923.